The following is an entry in ClinVar:

NM_001378122.1(SH3D19):c.2066T>C (p.Leu689Pro)

Gene: SH3D19 (SH3 domain containing 19; minus strand). Cytogenetic location: 4q31.3.
Variant type: single nucleotide variant.
Coding change: c.2066T>C on transcript NM_001378122.1 (MANE Select); coding-DNA position 2066, T replaced by C.
Protein change: p.Leu689Pro; replaces leucine 689 with proline.
Molecular consequence: missense variant.
Genome position (GRCh38, 1-based): chr4:151,147,938, A>G on the plus strand (T>C on the coding strand, the complement: SH3D19 is on the minus strand). VCF-style: chr4-151147938-A-G. GRCh37 (hg19) VCF-style: chr4-152069090-A-G.
Other names: c.1226T>C, p.Leu409Pro (NM_001009555.4, NM_001128923.2, NM_001243349.2 and 6 more transcripts); c.1118T>C, p.Leu373Pro (NM_001128924.2); c.2066T>C, p.Leu689Pro (NM_001378121.1); c.1889T>C, p.Leu630Pro (NM_001378123.1, NM_001378124.1); short protein forms L373P, L409P, L630P, L689P.
Identifiers: ClinVar variation 3056922 (VCV003056922.2), dbSNP rs78397848, ClinGen allele CA3104661.

ClinVar aggregate classification (germline): Benign (0 of 4 stars; one submission).

Conditions:
SH3D19-related disorder. Also called: SH3D19-related condition.

Allele frequency attached by ClinVar (database versions not stated): ESP Exome Variant Server 0.00062; gnomAD exomes 0.00478; gnomAD 0.00937; TOPMed 0.01293; ExAC 0.01370; 1000 Genomes Project 30x 0.02436; 1000 Genomes Project 0.02556.
gnomAD v4.1: 8,390 of 1,611,532 alleles (0.52%); highest among the groups gnomAD compares: Admixed American, 7.8%; 335 homozygotes.

Submission:

PreventionGenetics, part of Exact Sciences
Classification: Benign for SH3D19-related condition. Last evaluated: 2019-09-30. Review status: no assertion criteria provided. Collection method: clinical testing. Allele origin: germline.
Comment: This variant is classified as benign based on ACMG/AMP sequence variant interpretation guidelines (Richards et al. 2015 PMID: 25741868, with internal and published modifications).